The following is an entry in ClinVar:

ClinVar aggregate classification (germline): Benign (1 of 4 stars; one submission).

Conditions:
Landau-Kleffner syndrome (FESD). Also called: EPILEPSY, FOCAL, WITH SPEECH DISORDER AND WITH OR WITHOUT MENTAL RETARDATION; APHASIA, ACQUIRED, WITH EPILEPSY. Identifiers: Orphanet 1945, Orphanet 725, Orphanet 98818, MedGen C0282512, MONDO:0009509, OMIM 245570.

Allele frequency attached by ClinVar (database versions not stated): gnomAD exomes 0.00022; gnomAD 0.00006; 1000 Genomes Project 0.00060; 1000 Genomes Project 30x 0.00078; TOPMed 0.00012.
gnomAD v4.1: 51 of 211,804 alleles (0.024%); highest among the groups gnomAD compares: Admixed American, 0.14%; no homozygotes.

Submission:

Illumina Laboratory Services, Illumina
Classification: Benign for Landau-Kleffner syndrome. Last evaluated: 2018-01-13. Review status: criteria provided, single submitter. Criteria: ICSL Variant Classification Criteria 13 December 2019. Collection method: clinical testing. Allele origin: germline.
Comment: This variant was observed in the ICSL laboratory as part of a predisposition screen in an ostensibly healthy population. It had not been previously curated by ICSL or reported in the Human Gene Mutation Database (HGMD: prior to June 1st, 2018), and was therefore a candidate for classification through an automated scoring system. Utilizing variant allele frequency, disease prevalence and penetrance estimates, and inheritance mode, an automated score was calculated to assess if this variant is too frequent to cause the disease. Based on the score and internal cut-off values, a variant classified as benign is not then subjected to further curation. The score for this variant resulted in a classification of benign for this disease.

NM_001134407.3(GRIN2A):c.*5076G>C

Gene: GRIN2A (glutamate ionotropic receptor NMDA type subunit 2A; minus strand). Cytogenetic location: 16p13.2.
Variant type: single nucleotide variant.
Coding change: c.*5076G>C on transcript NM_001134407.3 (MANE Select); 5076 bases downstream of the stop codon, G replaced by C.
Molecular consequence: 3 prime UTR variant.
Genome position (GRCh38, 1-based): chr16:9,758,073, C>G on the plus strand (G>C on the coding strand, the complement: GRIN2A is on the minus strand). VCF-style: chr16-9758073-C-G. GRCh37 (hg19) VCF-style: chr16-9851930-C-G.
Other names: c.*5076G>C (NM_000833.5); c.*5282G>C (NM_001134408.2).
Identifiers: ClinVar variation 321536 (VCV000321536.5), dbSNP rs182876220, ClinGen allele CA10649418.